The following is an entry in ClinVar:

ClinVar aggregate classification (germline): Conflicting classifications of pathogenicity. Review status: criteria provided, conflicting classifications (1 of 4 stars). 9 submissions from 5 submitters: Uncertain significance (5); Benign (2); Likely benign (2). Last evaluated 2022-07-27.

Conditions:
Tibial muscular dystrophy (TMD). Also called: Udd Distal Myopathy – Tibial Muscular Dystrophy; UDD MYOPATHY; Tibial muscular dystrophy, tardive. Identifiers: Orphanet 609, MedGen C1838244, MONDO:0010870, OMIM 600334.
Dilated cardiomyopathy 1G (CMD1G). Identifiers: Orphanet 154, MedGen C1858763, MONDO:0011400, OMIM 604145.
Early-onset myopathy with fatal cardiomyopathy (CMYO5). Also called: CONGENITAL MYOPATHY 5 WITH CARDIOMYOPATHY; Salih Myopathy. Identifiers: Orphanet 289377, MedGen C2673677, MONDO:0012714, OMIM 611705. Disease mechanism: loss of function.
Myopathy, myofibrillar, 9, with early respiratory failure (MFM9). Also called: MYOPATHY, PROXIMAL, WITH EARLY RESPIRATORY MUSCLE INVOLVEMENT; Hereditary myopathy with early respiratory failure; Myopathy, distal, with early respiratory failure, autosomal dominant; EDSTROM MYOPATHY. Identifiers: Orphanet 178464, Orphanet 34521, MedGen C1863599, MONDO:0011362, OMIM 603689.
Autosomal recessive limb-girdle muscular dystrophy type 2J (LGMDR10). Also called: Limb-girdle muscular dystrophy, type 2J; MUSCULAR DYSTROPHY, LIMB-GIRDLE, AUTOSOMAL RECESSIVE 10. Identifiers: Orphanet 140922, MedGen C1837342, MONDO:0012127, OMIM 608807.
Cardiomyopathy (CMYO). Also called: Cardiomyopathies. Identifiers: Orphanet 167848, MedGen C0878544, MONDO:0004994, HP:0001638. Inheritance: Various modes of inheritance.

Allele frequency attached by ClinVar (database versions not stated): gnomAD 0.00002 and 0.00003; TOPMed 0.00002; ExAC 0.00007; gnomAD exomes 0.00007; ESP Exome Variant Server 0.00016.
gnomAD v4.1: 111 of 1,613,396 alleles (0.0069%); highest among the groups gnomAD compares: South Asian, 0.029%; no homozygotes.

Submissions (9):

Athena Diagnostics
Classification: Uncertain significance. Last evaluated: 2022-07-27. Review status: criteria provided, single submitter. Criteria: Athena Diagnostics Criteria. Collection method: clinical testing. Allele origin: unknown.

CHEO Genetics Diagnostic Laboratory, Children's Hospital of Eastern Ontario
Classification: Likely benign for Cardiomyopathy. Last evaluated: 2022-03-16. Review status: criteria provided, single submitter. Criteria: ACMG Guidelines, 2015. Collection method: clinical testing. Allele origin: germline.

CeGaT Center for Human Genetics Tuebingen
Classification: Likely benign. Last evaluated: 2022-03-01. Review status: criteria provided, single submitter. Criteria: CeGaT Center For Human Genetics Tuebingen Variant Classification Criteria Version 2. Collection method: clinical testing. Allele origin: germline. Affected: yes. Observed: 1 variant allele.
Comment: TTN: BP4

Revvity Omics, Revvity
Classification: Uncertain significance. Last evaluated: 2019-07-24. Review status: criteria provided, single submitter. Criteria: ACMG Guidelines, 2015. Collection method: clinical testing. Allele origin: germline.

Illumina Laboratory Services, Illumina
Classification: Benign for Myopathy, myofibrillar, 9, with early respiratory failure. Last evaluated: 2018-02-02. Review status: criteria provided, single submitter. Criteria: ICSL Variant Classification Criteria 13 December 2019. Collection method: clinical testing. Allele origin: germline.
Comment: This variant was observed in the ICSL laboratory as part of a predisposition screen in an ostensibly healthy population. It had not been previously curated by ICSL or reported in the Human Gene Mutation Database (HGMD: prior to June 1st, 2018), and was therefore a candidate for classification through an automated scoring system. Utilizing variant allele frequency, disease prevalence and penetrance estimates, and inheritance mode, an automated score was calculated to assess if this variant is too frequent to cause the disease. Based on the score and internal cut-off values, a variant classified as benign is not then subjected to further curation. The score for this variant resulted in a classification of benign for this disease.

Illumina Laboratory Services, Illumina
Classification: Benign for Tibial muscular dystrophy. Last evaluated: 2018-02-02. Review status: criteria provided, single submitter. Criteria: ICSL Variant Classification Criteria 13 December 2019. Collection method: clinical testing. Allele origin: germline.
Comment: the same text as in the submission from Illumina Laboratory Services, Illumina above.

Illumina Laboratory Services, Illumina
Classification: Uncertain significance for Dilated cardiomyopathy 1G. Last evaluated: 2018-02-02. Review status: criteria provided, single submitter. Criteria: ICSL Variant Classification Criteria 13 December 2019. Collection method: clinical testing. Allele origin: germline.

Illumina Laboratory Services, Illumina
Classification: Uncertain significance for Autosomal recessive limb-girdle muscular dystrophy type 2J. Last evaluated: 2018-02-02. Review status: criteria provided, single submitter. Criteria: ICSL Variant Classification Criteria 13 December 2019. Collection method: clinical testing. Allele origin: germline.

Illumina Laboratory Services, Illumina
Classification: Uncertain significance for Early-onset myopathy with fatal cardiomyopathy. Last evaluated: 2018-02-02. Review status: criteria provided, single submitter. Criteria: ICSL Variant Classification Criteria 13 December 2019. Collection method: clinical testing. Allele origin: germline.

NM_001267550.2(TTN):c.91343G>A (p.Arg30448His)

Genes: TTN (titin; minus strand), TTN-AS1 (TTN antisense RNA 1; plus strand). Cytogenetic location: 2q31.2.
Variant type: single nucleotide variant.
Coding change: c.91343G>A on transcript NM_001267550.2 (MANE Select); coding-DNA position 91343, G replaced by A.
Protein change: p.Arg30448His; replaces arginine 30448 with histidine.
Molecular consequence: missense variant.
Genome position (GRCh38, 1-based): chr2:178,551,188, C>T on the plus strand (G>A on the coding strand, the complement: TTN is on the minus strand). VCF-style: chr2-178551188-C-T. GRCh37 (hg19) VCF-style: chr2-179415915-C-T.
Other names: c.91343G>A (NM_001267550.1); c.86420G>A, p.Arg28807His (NM_001256850.1); c.64148G>A, p.Arg21383His (NM_003319.4); c.83639G>A, p.Arg27880His (NM_133378.4); c.64523G>A, p.Arg21508His (NM_133432.3); c.64724G>A, p.Arg21575His (NM_133437.4); short protein forms R21508H, R21575H, R27880H, R21383H, R28807H, R30448H.
Identifiers: ClinVar variation 894511 (VCV000894511.32), dbSNP rs374474227, ClinGen allele CA1987643.